The following is an entry in ClinVar:

NM_002334.4(LRP4):c.3620A>G (p.Asn1207Ser)

Gene: LRP4 (LDL receptor related protein 4; minus strand). Cytogenetic location: 11p11.2.
Variant type: single nucleotide variant.
Coding change: c.3620A>G on transcript NM_002334.4 (MANE Select); coding-DNA position 3620, A replaced by G.
Protein change: p.Asn1207Ser; replaces asparagine 1207 with serine.
Molecular consequence: missense variant.
Genome position (GRCh38, 1-based): chr11:46,875,883, T>C on the plus strand (A>G on the coding strand, the complement: LRP4 is on the minus strand). VCF-style: chr11-46875883-T-C. GRCh37 (hg19) VCF-style: chr11-46897434-T-C.
Other names: short protein forms N1207S.
Identifiers: ClinVar variation 286738 (VCV000286738.35), dbSNP rs151234321, ClinGen allele CA5969530.
Genomic context (GRCh38, chr11:46,875,883, plus strand): 5'-CATAGCAGTTGGGAGCTGGCCTTGTCCACAGTCAGTCCATTGGGCCATCCTAGGTTGTTG[T>C]TGATGAGCACCGCGCGGTCTGAGCCATCCATTCCGGACCGCTCTAACTTGGCATTCTCCC-3'
Protein context (NP_002325.2, residues 1197-1217): MDGSDRAVLI[Asn1207Ser]NNLGWPNGLT

ClinVar aggregate classification (germline): Conflicting classifications of pathogenicity. Review status: criteria provided, conflicting classifications (1 of 4 stars). 11 submissions from 11 submitters: Uncertain significance (2); Likely benign (6). 3 of the submissions do not count toward it. Last evaluated 2026-01-24.

Conditions:
Congenital myasthenic syndrome 17. Identifiers: Orphanet 590, MedGen C4225377, MONDO:0014578, OMIM 616304.
Cenani-Lenz syndactyly syndrome. Also called: SYNDACTYLY, TYPE VII; CENANI SYNDACTYLISM. Identifiers: Orphanet 3258, MedGen C1859309, MONDO:0008931, OMIM 212780.
Sclerosteosis 2 (SOST2). Identifiers: Orphanet 3152, MedGen C3280402, MONDO:0013679, OMIM 614305.
LRP4-related disorder. Also called: LRP4-related condition.

Allele frequency attached by ClinVar (database versions not stated): gnomAD exomes 0.00155 and 0.00094; 1000 Genomes Project 30x 0.00016; 1000 Genomes Project 0.00020; gnomAD 0.00086; ExAC 0.00096; TOPMed 0.00104; ESP Exome Variant Server 0.00138.
gnomAD v4.1: 2,384 of 1,614,150 alleles (0.15%); highest among the groups gnomAD compares: Non-Finnish European, 0.19%; 2 homozygotes.

Submissions (11):

Labcorp Genetics (formerly Invitae), Labcorp
Classification: Likely benign for Cenani-Lenz syndactyly syndrome; Sclerosteosis 2; Congenital myasthenic syndrome 17. Last evaluated: 2026-01-24. Review status: criteria provided, single submitter. Criteria: Invitae Variant Classification Sherloc (09022015). Collection method: clinical testing. Allele origin: germline.

CeGaT Center for Human Genetics Tuebingen
Classification: Likely benign. Last evaluated: 2025-10-01. Review status: criteria provided, single submitter. Criteria: CeGaT Center For Human Genetics Tuebingen Variant Classification Criteria Version 2. Collection method: clinical testing. Allele origin: germline. Affected: yes. Observed: 1 variant allele.
Comment: LRP4: PP2, BP4, BS2

Blueprint Genetics
Classification: Likely benign. Last evaluated: 2024-11-26. Review status: criteria provided, single submitter. Criteria: ACMG Guidelines, 2015. Collection method: clinical testing. Allele origin: germline.

Women's Health and Genetics/Laboratory Corporation of America, LabCorp
Classification: Likely benign. Last evaluated: 2024-07-26. Review status: criteria provided, single submitter. Criteria: LabCorp Variant Classification Summary - May 2015. Collection method: clinical testing. Allele origin: germline.
Comment: Variant summary: LRP4 c.3620A>G (p.Asn1207Ser) results in a conservative amino acid change in the encoded protein sequence. Five of five in-silico tools predict a benign effect of the variant on protein function. The variant allele was found at a frequency of 0.00094 in 251434 control chromosomes, predominantly at a frequency of 0.0017 within the Non-Finnish European subpopulation in the gnomAD database, including one homozygote. This frequency is not significantly higher than estimated for a pathogenic variant in LRP4 causing LRP4-Related Disorders, allowing no conclusion about variant significance. To our knowledge, no occurrence of c.3620A>G in individuals affected with LRP4-Related Disorders and no experimental evidence demonstrating its impact on protein function have been reported. ClinVar contains an entry for this variant (Variation ID: 286738). Based on the evidence outlined above, the variant was classified as likely benign.

GeneDx
Classification: Likely benign. Last evaluated: 2021-09-07. Review status: criteria provided, single submitter. Criteria: GeneDx Variant Classification Process June 2021. Collection method: clinical testing. Allele origin: germline. Affected: yes.

Johns Hopkins Genomics, Johns Hopkins University
Classification: Likely benign. Last evaluated: 2021-05-24. Review status: criteria provided, single submitter. Criteria: ACMG Guidelines, 2015. Collection method: clinical testing. Allele origin: germline.

Illumina Laboratory Services, Illumina
Classification: Uncertain significance for Cenani-Lenz syndactyly syndrome. Last evaluated: 2017-04-27. Review status: criteria provided, single submitter. Criteria: ICSL Variant Classification Criteria 13 December 2019. Collection method: clinical testing. Allele origin: germline.

Eurofins Ntd Llc (ga)
Classification: Uncertain significance. Last evaluated: 2016-04-05. Review status: criteria provided, single submitter. Criteria: EGL Classification Definitions 2015. Collection method: clinical testing. Allele origin: germline. Observed: 2 variant alleles, 2 heterozygotes.

PreventionGenetics, part of Exact Sciences
Classification: Likely benign for LRP4-related condition. Last evaluated: 2022-12-14. Review status: no assertion criteria provided. Collection method: clinical testing. Allele origin: germline. Not counted in ClinVar's aggregate classification.
Comment: This variant is classified as likely benign based on ACMG/AMP sequence variant interpretation guidelines (Richards et al. 2015 PMID: 25741868, with internal and published modifications).

Clinical Genetics DNA and cytogenetics Diagnostics Lab, Erasmus MC, Erasmus Medical Center
Classification: Likely benign. Review status: no assertion criteria provided. Collection method: clinical testing. Allele origin: germline. Affected: yes. Study: VKGL Data-share Consensus. Not counted in ClinVar's aggregate classification.

Genome Diagnostics Laboratory, University Medical Center Utrecht
Classification: Likely benign. Review status: no assertion criteria provided. Collection method: clinical testing. Allele origin: germline. Affected: yes. Study: VKGL Data-share Consensus. Not counted in ClinVar's aggregate classification.

Literature cited by the submitters: PubMed 24234652 (cited by Johns Hopkins Genomics, Johns Hopkins University).